The following is an entry in ClinVar:

ClinVar aggregate classification (germline): Uncertain significance (1 of 4 stars; one submission).

gnomAD v4.1: 1 of 1,607,506 alleles (0.000062%); no homozygotes.

Submission:

Labcorp Genetics (formerly Invitae), Labcorp
Classification: Uncertain significance. Last evaluated: 2023-08-18. Review status: criteria provided, single submitter. Criteria: Invitae Variant Classification Sherloc (09022015). Collection method: clinical testing. Allele origin: germline.
Comment: This variant has not been reported in the literature in individuals affected with GNB1-related conditions. In summary, the available evidence is currently insufficient to determine the role of this variant in disease. Therefore, it has been classified as a Variant of Uncertain Significance. An algorithm developed to predict the effect of missense changes on protein structure and function (PolyPhen-2) suggests that this variant is likely to be disruptive. This variant is not present in population databases (gnomAD no frequency). This sequence change replaces arginine, which is basic and polar, with glycine, which is neutral and non-polar, at codon 19 of the GNB1 protein (p.Arg19Gly).

NM_002074.5(GNB1):c.55C>G (p.Arg19Gly)

Gene: GNB1 (G protein subunit beta 1; minus strand). Cytogenetic location: 1p36.33.
Variant type: single nucleotide variant.
Coding change: c.55C>G on transcript NM_002074.5 (MANE Select); coding-DNA position 55, C replaced by G.
Protein change: p.Arg19Gly; replaces arginine 19 with glycine.
Molecular consequence: missense variant. On other transcripts: 5 prime UTR variant (1).
Genome position (GRCh38, 1-based): chr1:1,825,399, G>C on the plus strand (C>G on the coding strand, the complement: GNB1 is on the minus strand). VCF-style: chr1-1825399-G-C. GRCh37 (hg19) VCF-style: chr1-1756838-G-C.
Other names: c.-100C>G (NM_001282538.2); c.55C>G, p.Arg19Gly (NM_001282539.2); short protein forms R19G.
Identifiers: ClinVar variation 2812227 (VCV002812227.3), dbSNP rs2100991976, ClinGen allele CA337923821.